The following is an entry in ClinVar:

NM_001018115.3(FANCD2):c.2422A>T (p.Met808Leu)

Genes: FANCD2 (FA complementation group D2; plus strand), LOC107303338 (3p25 FANCD2 Alu-mediated recombination region; plus strand). Cytogenetic location: 3p25.3.
Variant type: single nucleotide variant.
Coding change: c.2422A>T on transcript NM_001018115.3 (MANE Select); coding-DNA position 2422, A replaced by T.
Protein change: p.Met808Leu; replaces methionine 808 with leucine.
Molecular consequence: missense variant.
Genome position (GRCh38, 1-based): chr3:10,067,245, A>T. VCF-style: chr3-10067245-A-T. GRCh37 (hg19) VCF-style: chr3-10108929-A-T.
Other names: c.2422A>T, p.Met808Leu (NM_001319984.2, NM_001374254.1, NM_033084.6); c.2311A>T, p.Met771Leu (NM_001374253.1); short protein forms M808L, M771L.
Identifiers: ClinVar variation 847123 (VCV000847123.8), dbSNP rs375415579, ClinGen allele CA351737961.
Genomic context (GRCh38, chr3:10,067,245, plus strand): 5'-GAGAATGTAATTTGTACTTTGCAGATTGTAAATGCCTTCTGCCAGGAAACATCACCTGAG[A>T]TGAAGGGGAAGGTGCTCACTCGGTTAAAGCACATTGTAGAATTGCAAATAATCCTGGAAA-3'
Protein context (NP_001018125.1, residues 798-818): NAFCQETSPE[Met808Leu]KGKVLTRLKH

ClinVar aggregate classification (germline): Uncertain significance (1 of 4 stars; one submission).

Conditions:
Fanconi anemia (FA). Also called: Fanconi's anemia. Identifiers: Orphanet 84, MedGen C0015625, MeSH D005199, MONDO:0019391.

gnomAD v4.1: 1 of 1,613,706 alleles (0.000062%); highest among the groups gnomAD compares: Non-Finnish European, 0.000085%; no homozygotes.

Submission:

Labcorp Genetics (formerly Invitae), Labcorp
Classification: Uncertain significance for Fanconi anemia. Last evaluated: 2022-04-29. Review status: criteria provided, single submitter. Criteria: Invitae Variant Classification Sherloc (09022015). Collection method: clinical testing. Allele origin: germline.
Comment: This sequence change replaces methionine, which is neutral and non-polar, with leucine, which is neutral and non-polar, at codon 808 of the FANCD2 protein (p.Met808Leu). This variant is not present in population databases (gnomAD no frequency). This variant has not been reported in the literature in individuals affected with FANCD2-related conditions. ClinVar contains an entry for this variant (Variation ID: 847123). Algorithms developed to predict the effect of missense changes on protein structure and function (SIFT, PolyPhen-2, Align-GVGD) all suggest that this variant is likely to be tolerated. In summary, the available evidence is currently insufficient to determine the role of this variant in disease. Therefore, it has been classified as a Variant of Uncertain Significance.